The following is an entry in ClinVar:

NM_001330588.2(TPP2):c.610G>A (p.Glu204Lys)

Gene: TPP2 (tripeptidyl peptidase 2; plus strand). Cytogenetic location: 13q33.1.
Variant type: single nucleotide variant.
Coding change: c.610G>A on transcript NM_001330588.2 (MANE Select); coding-DNA position 610, G replaced by A.
Protein change: p.Glu204Lys; replaces glutamic acid 204 with lysine.
Molecular consequence: missense variant. On other transcripts: non-coding transcript variant (1).
Genome position (GRCh38, 1-based): chr13:102,618,836, G>A. VCF-style: chr13-102618836-G-A. GRCh37 (hg19) VCF-style: chr13-103271186-G-A.
Other names: c.610G>A, p.Glu204Lys (NM_001367947.1, NM_003291.4); short protein forms E204K.
Identifiers: ClinVar variation 941091 (VCV000941091.8), dbSNP rs759851788, ClinGen allele CA7037553.
Genomic context (GRCh38, chr13:102,618,836, plus strand): 5'-TTTGAGAAGAAATACAGCGATCCTGGCCCTGTATATGACTGCTTGGTATGGCATGATGGC[G>A]AAGTCTGGAGGTAAACTTCGTGTATTTTATACATCTTCATTTACAAATGTTTTCTTTTCT-3'
Protein context (NP_001317517.1, residues 194-214): VYDCLVWHDG[Glu204Lys]VWRACIDSNE

ClinVar aggregate classification (germline): Uncertain significance. Review status: criteria provided, multiple submitters, no conflicts (2 of 4 stars). 2 submissions from 2 submitters: Uncertain significance (2). Last evaluated 2025-01-22.

Conditions:
Inborn genetic diseases. Identifiers: MedGen C0950123, MeSH D030342.
Evans syndrome, immunodeficiency, and premature immunosenescence associated with tripeptidyl-peptidase II deficiency. Identifiers: MedGen CN231723. Disease mechanism: loss of function.

Allele frequency attached by ClinVar (database versions not stated): gnomAD 0.00001 and 0.00002; gnomAD exomes 0.00002; ExAC 0.00003; TOPMed 0.00003.
gnomAD v4.1: 34 of 1,606,310 alleles (0.0021%); highest among the groups gnomAD compares: Middle Eastern, 0.033%; no homozygotes.

Submissions (2):

Ambry Genetics
Classification: Uncertain significance for Inborn genetic diseases. Last evaluated: 2025-01-22. Review status: criteria provided, single submitter. Criteria: Ambry Variant Classification Scheme 2023. Collection method: clinical testing. Allele origin: germline.

Labcorp Genetics (formerly Invitae), Labcorp
Classification: Uncertain significance for Evans syndrome, immunodeficiency, and premature immunosenescence associated with tripeptidyl-peptidase II deficiency. Last evaluated: 2024-09-11. Review status: criteria provided, single submitter. Criteria: Invitae Variant Classification Sherloc (09022015). Collection method: clinical testing. Allele origin: germline.
Comment: This sequence change replaces glutamic acid, which is acidic and polar, with lysine, which is basic and polar, at codon 204 of the TPP2 protein (p.Glu204Lys). This variant is present in population databases (rs759851788, gnomAD 0.004%). This variant has not been reported in the literature in individuals affected with TPP2-related conditions. ClinVar contains an entry for this variant (Variation ID: 941091). An algorithm developed to predict the effect of missense changes on protein structure and function (PolyPhen-2) suggests that this variant¬†is likely to be tolerated. In summary, the available evidence is currently insufficient to determine the role of this variant in disease. Therefore, it has been classified as a Variant of Uncertain Significance.